The following is an entry in ClinVar:

NM_004329.3(BMPR1A):c.927T>C (p.Thr309=)

Gene: BMPR1A (bone morphogenetic protein receptor type 1A; plus strand). Cytogenetic location: 10q23.2.
Variant type: single nucleotide variant.
Coding change: c.927T>C on transcript NM_004329.3 (MANE Select); coding-DNA position 927, T replaced by C.
Protein change: p.Thr309=; no amino-acid change (threonine 309 retained).
Molecular consequence: synonymous variant.
Genome position (GRCh38, 1-based): chr10:86,919,230, T>C. VCF-style: chr10-86919230-T-C. GRCh37 (hg19) VCF-style: chr10-88678987-T-C.
Identifiers: ClinVar variation 482854 (VCV000482854.26), dbSNP rs779691540, ClinGen allele CA5585633.

ClinVar aggregate classification (germline): Benign/Likely benign. Review status: criteria provided, multiple submitters, no conflicts (2 of 4 stars). 7 submissions from 7 submitters: Benign (1); Likely benign (6). Last evaluated 2025-03-04.

Conditions:
Juvenile polyposis syndrome (JPS). Identifiers: Orphanet 2929, MedGen C0345893, MONDO:0017380, OMIM 174900.
Hereditary cancer-predisposing syndrome. Also called: Tumor predisposition; Hereditary Cancer Syndrome; Neoplastic Syndromes, Hereditary; Hereditary neoplastic syndrome. Identifiers: Orphanet 140162, MedGen C0027672, MeSH D009386, MONDO:0015356.

Allele frequency attached by ClinVar (database versions not stated): gnomAD exomes below 0.00001 and 0.00001; ExAC 0.00001.
gnomAD v4.1: 12 of 1,614,008 alleles (0.00074%); highest among the groups gnomAD compares: East Asian, 0.0045%; no homozygotes.

Submissions (7):

Center for Genomic Medicine, Rigshospitalet, Copenhagen University Hospital
Classification: Likely benign. Last evaluated: 2025-03-04. Review status: criteria provided, single submitter. Criteria: ACMG Guidelines, 2015. Collection method: clinical testing. Allele origin: germline.

Labcorp Genetics (formerly Invitae), Labcorp
Classification: Likely benign for Juvenile polyposis syndrome. Last evaluated: 2025-02-26. Review status: criteria provided, single submitter. Criteria: Invitae Variant Classification Sherloc (09022015). Collection method: clinical testing. Allele origin: germline.

Myriad Genetics, Inc.
Classification: Benign for Juvenile polyposis syndrome. Last evaluated: 2024-08-05. Review status: criteria provided, single submitter. Criteria: Myriad Autosomal Dominant, Autosomal Recessive and X-Linked Classification Criteria (2023). Collection method: clinical testing. Allele origin: unknown.
Comment: This variant is considered benign. This variant is a silent/synonymous amino acid change and it is not expected to impact splicing.

All of Us Research Program, National Institutes of Health
Classification: Likely benign for Juvenile polyposis syndrome. Last evaluated: 2023-12-07. Review status: criteria provided, single submitter. Criteria: ACMG Guidelines, 2015. Collection method: clinical testing. Allele origin: germline. Inheritance: Autosomal dominant inheritance. Observed: 2 variant alleles, 2 heterozygotes.
Comment: This study involves interpretation of variants in research participants for the purpose of population health screening. Participant phenotype was not available at the time of variant classification. Additional details can be found in publication PMID: 35346344, PMCID: PMC8962531

Blueprint Genetics
Classification: Likely benign. Last evaluated: 2023-09-29. Review status: criteria provided, single submitter. Criteria: ACMG Guidelines, 2015. Collection method: clinical testing. Allele origin: germline.

Ambry Genetics
Classification: Likely benign for Hereditary cancer-predisposing syndrome. Last evaluated: 2016-10-26. Review status: criteria provided, single submitter. Criteria: Ambry Variant Classification Scheme 2023. Collection method: clinical testing. Allele origin: germline.

Color Diagnostics, LLC DBA Color Health
Classification: Likely benign for Hereditary cancer-predisposing syndrome. Last evaluated: 2016-09-02. Review status: criteria provided, single submitter. Criteria: ACMG Guidelines, 2015. Collection method: clinical testing. Allele origin: germline.